The following is an entry in ClinVar:

NM_001330311.2(DVL1):c.877G>A (p.Gly293Ser)

Gene: DVL1 (dishevelled segment polarity protein 1; minus strand). Cytogenetic location: 1p36.33.
Variant type: single nucleotide variant.
Coding change: c.877G>A on transcript NM_001330311.2 (MANE Select); coding-DNA position 877, G replaced by A.
Protein change: p.Gly293Ser; replaces glycine 293 with serine.
Molecular consequence: missense variant.
Genome position (GRCh38, 1-based): chr1:1,340,070, C>T on the plus strand (G>A on the coding strand, the complement: DVL1 is on the minus strand). VCF-style: chr1-1340070-C-T. GRCh37 (hg19) VCF-style: chr1-1275450-C-T.
Other names: c.877G>A, p.Gly293Ser (NM_004421.3); short protein forms G293S.
Identifiers: ClinVar variation 2722096 (VCV002722096.3), dbSNP rs1358617213, ClinGen allele CA337869390.

ClinVar aggregate classification (germline): Uncertain significance (1 of 4 stars; one submission).

Allele frequency attached by ClinVar (database versions not stated): gnomAD exomes below 0.00001; TOPMed 0.00001; gnomAD 0.00002.

Submission:

Labcorp Genetics (formerly Invitae), Labcorp
Classification: Uncertain significance. Last evaluated: 2023-06-29. Review status: criteria provided, single submitter. Criteria: Invitae Variant Classification Sherloc (09022015). Collection method: clinical testing. Allele origin: germline.
Comment: In summary, the available evidence is currently insufficient to determine the role of this variant in disease. Therefore, it has been classified as a Variant of Uncertain Significance. Advanced modeling of protein sequence and biophysical properties (such as structural, functional, and spatial information, amino acid conservation, physicochemical variation, residue mobility, and thermodynamic stability) performed at Invitae indicates that this missense variant is expected to disrupt DVL1 protein function. This variant has not been reported in the literature in individuals affected with DVL1-related conditions. The frequency data for this variant in the population databases is considered unreliable, as metrics indicate poor data quality at this position in the gnomAD database. This sequence change replaces glycine, which is neutral and non-polar, with serine, which is neutral and polar, at codon 293 of the DVL1 protein (p.Gly293Ser).